The following is an entry in ClinVar:

NM_004656.4(BAP1):c.1806G>C (p.Glu602Asp)

Gene: BAP1 (BRCA1 associated deubiquitinase 1; minus strand). Cytogenetic location: 3p21.1.
Variant type: single nucleotide variant.
Coding change: c.1806G>C on transcript NM_004656.4 (MANE Select); coding-DNA position 1806, G replaced by C.
Protein change: p.Glu602Asp; replaces glutamic acid 602 with aspartic acid.
Molecular consequence: missense variant.
Genome position (GRCh38, 1-based): chr3:52,403,222, C>G on the plus strand (G>C on the coding strand, the complement: BAP1 is on the minus strand). VCF-style: chr3-52403222-C-G. GRCh37 (hg19) VCF-style: chr3-52437238-C-G.
Other names: c.1806G>C (LRG_529t1); short protein forms E602D.
Identifiers: ClinVar variation 472679 (VCV000472679.23), dbSNP rs759423683, ClinGen allele CA353098691.

ClinVar aggregate classification (germline): Conflicting classifications of pathogenicity. Review status: criteria provided, conflicting classifications (1 of 4 stars). 5 submissions from 5 submitters: Uncertain significance (4); Likely benign (1). Last evaluated 2025-12-17.

Conditions:
BAP1-related tumor predisposition syndrome (TPDS1). Also called: BAP1 tumor predisposition syndrome; COMMON Syndrome; TUMOR PREDISPOSITION SYNDROME 1; Tumor susceptibility linked to germline BAP1 mutations. Identifiers: Orphanet 289539, MedGen C3280492, MONDO:0013692, OMIM 614327.
Hereditary cancer-predisposing syndrome. Also called: Neoplastic Syndromes, Hereditary; Tumor predisposition; Hereditary Cancer Syndrome; Hereditary neoplastic syndrome. Identifiers: Orphanet 140162, MedGen C0027672, MeSH D009386, MONDO:0015356.

Allele frequency attached by ClinVar (database versions not stated): TOPMed 0.00002.

Submissions (5):

Labcorp Genetics (formerly Invitae), Labcorp
Classification: Uncertain significance for BAP1-related tumor predisposition syndrome. Last evaluated: 2025-12-17. Review status: criteria provided, single submitter. Criteria: Invitae Variant Classification Sherloc (09022015). Collection method: clinical testing. Allele origin: germline.
Comment: This sequence change replaces glutamic acid, which is acidic and polar, with aspartic acid, which is acidic and polar, at codon 602 of the BAP1 protein (p.Glu602Asp). This variant is present in population databases (no rsID available, gnomAD 0.007%). This missense change has been observed in individual(s) with uveal melanoma (PMID: 23171164). ClinVar contains an entry for this variant (Variation ID: 472679). Invitae Evidence Modeling of protein sequence and biophysical properties (such as structural, functional, and spatial information, amino acid conservation, physicochemical variation, residue mobility, and thermodynamic stability) indicates that this missense variant is not expected to disrupt BAP1 protein function with a negative predictive value of 80%. In summary, the available evidence is currently insufficient to determine the role of this variant in disease. Therefore, it has been classified as a Variant of Uncertain Significance.

Color Diagnostics, LLC DBA Color Health
Classification: Uncertain significance for Hereditary cancer-predisposing syndrome. Last evaluated: 2025-04-21. Review status: criteria provided, single submitter. Criteria: ACMG Guidelines, 2015. Collection method: clinical testing. Allele origin: germline.
Comment: This missense variant replaces glutamic acid with aspartic acid at codon 602 of the BAP1 protein. Computational prediction suggests that this variant may not impact protein structure and function. To our knowledge, functional studies have not been reported for this variant. This variant has been reported in one individual affected with uveal melanoma in the literature (PMID: 23171164). This variant has been identified in 1/31408 chromosomes in the general population by the Genome Aggregation Database (gnomAD). The available evidence is insufficient to determine the role of this variant in disease conclusively. Therefore, this variant is classified as a Variant of Uncertain Significance.

GeneDx
Classification: Uncertain significance. Last evaluated: 2025-03-14. Review status: criteria provided, single submitter. Criteria: GeneDx Variant Classification Process June 2021. Collection method: clinical testing. Allele origin: germline. Affected: yes.
Comment: Not observed at significant frequency in large population cohorts (gnomAD); In silico analysis indicates that this missense variant does not alter protein structure/function; Observed in an individual with uveal melanoma (PMID: 23171164); This variant is associated with the following publications: (PMID: 23849051, 23550303, 24855403, 26096145, 23171164)

Baylor Genetics
Classification: Uncertain significance for BAP1-related tumor predisposition syndrome. Last evaluated: 2023-09-01. Review status: criteria provided, single submitter. Criteria: ACMG Guidelines, 2015. Collection method: clinical testing. Allele origin: unknown.

Ambry Genetics
Classification: Likely benign for Hereditary cancer-predisposing syndrome. Last evaluated: 2022-02-11. Review status: criteria provided, single submitter. Criteria: Ambry Variant Classification Scheme 2023. Collection method: clinical testing. Allele origin: germline.

Literature cited by the submitters: PubMed 23171164 (cited by 3 submitters).